The following is an entry in ClinVar:

NM_003242.6(TGFBR2):c.463A>C (p.Thr155Pro)

Gene: TGFBR2 (transforming growth factor beta receptor 2; plus strand). Cytogenetic location: 3p24.1.
Variant type: single nucleotide variant.
Coding change: c.463A>C on transcript NM_003242.6 (MANE Select); coding-DNA position 463, A replaced by C.
Protein change: p.Thr155Pro; replaces threonine 155 with proline.
Molecular consequence: missense variant. On other transcripts: intron variant (1).
Genome position (GRCh38, 1-based): chr3:30,671,646, A>C. VCF-style: chr3-30671646-A-C. GRCh37 (hg19) VCF-style: chr3-30713138-A-C.
Other names: c.538A>C, p.Thr180Pro (NM_001024847.3); c.646A>C, p.Thr216Pro (NM_001407126.1); c.571A>C, p.Thr191Pro (NM_001407127.1); c.490A>C, p.Thr164Pro (NM_001407128.1); c.466A>C, p.Thr156Pro (NM_001407129.1); c.463A>C, p.Thr155Pro (NM_001407130.1); c.358A>C, p.Thr120Pro (NM_001407132.1, NM_001407133.1, NM_001407134.1 and 2 more transcripts); c.178A>C, p.Thr60Pro (NM_001407137.1); and 2 more; short protein forms T120P, T155P, T156P, T164P, T180P, T191P, T216P, T35P.
Identifiers: ClinVar variation 4756729 (VCV004756729.1).
Genomic context (GRCh38, chr3:30,671,646, plus strand): 5'-TACTTACCTACCACATCCAACTCCTTCTCTCCTTGTTTTGTTTCCCCATCAGAATATAAC[A>C]CCAGCAATCCTGACTTGTTGCTAGTCATATTTCAAGTGACAGGCATCAGCCTCCTGCCAC-3'
Protein context (NP_003233.4, residues 145-165): DNIIFSEEYN[Thr155Pro]SNPDLLLVIF

ClinVar aggregate classification (germline): Uncertain significance (1 of 4 stars; one submission).

Conditions:
Familial thoracic aortic aneurysm and aortic dissection (TAAD). Also called: Thoracic aortic aneurysms and dissections. Identifiers: Orphanet 91387, MedGen C4707243, MONDO:0019625.

Submission:

Color Diagnostics, LLC DBA Color Health
Classification: Uncertain significance for Familial thoracic aortic aneurysm and aortic dissection. Last evaluated: 2025-06-03. Review status: criteria provided, single submitter. Criteria: ACMG Guidelines, 2015. Collection method: clinical testing. Allele origin: germline.
Comment: This missense variant replaces threonine with proline at codon 155 of the TGFBR2 protein. Computational prediction suggests that this variant may not impact protein structure and function. To our knowledge, functional studies have not been reported for this variant. This variant has not been reported in individuals affected with TGFBR2-related disorders in the literature. This variant has not been identified in the general population by the Genome Aggregation Database (gnomAD). The available evidence is insufficient to determine the role of this variant in disease conclusively. Therefore, this variant is classified as a Variant of Uncertain Significance.